The following is an entry in ClinVar:

NM_002529.4(NTRK1):c.1843G>T (p.Glu615Ter)

Gene: NTRK1 (neurotrophic receptor tyrosine kinase 1; plus strand). Cytogenetic location: 1q23.1.
Variant type: single nucleotide variant.
Coding change: c.1843G>T on transcript NM_002529.4 (MANE Select); coding-DNA position 1843, G replaced by T.
Protein change: p.Glu615Ter; replaces glutamic acid 615 with a stop codon.
Molecular consequence: nonsense.
Genome position (GRCh38, 1-based): chr1:156,879,159, G>T. VCF-style: chr1-156879159-G-T. GRCh37 (hg19) VCF-style: chr1-156848951-G-T.
Other names: c.1843G>T, p.Glu615Ter (NM_001007204.1); c.1735G>T, p.Glu579Ter (NM_001007792.1); c.1825G>T, p.Glu609Ter (NM_001012331.2); short protein forms E579*, E615*, E609*.
Identifiers: ClinVar variation 2202864 (VCV002202864.4), dbSNP rs149663928, ClinGen allele CA342939497.
Genomic context (GRCh38, chr1:156,879,159, plus strand): 5'-CCCTCTCCTTTTCTTGTTCACAGATCCCATGGACCTGATGCCAAGCTGCTGGCTGGTGGG[G>T]AGGATGTGGCTCCAGGCCCCCTGGGTCTGGGGCAGCTGCTGGCCGTGGCTAGCCAGGTCG-3'

ClinVar aggregate classification (germline): Pathogenic (1 of 4 stars; one submission).

Conditions:
Hereditary insensitivity to pain with anhidrosis (CIPA). Also called: NTRK1 Congenital Insensitivity to Pain with Anhidrosis; FAMILIAL DYSAUTONOMIA, TYPE II; INSENSITIVITY TO PAIN, CONGENITAL, WITH ANHIDROSIS; NEUROPATHY, CONGENITAL SENSORY, WITH ANHIDROSIS; HSAN Type IV; hereditary sensory and autonomic neuropathy type 4. Identifiers: Orphanet 642, MedGen C0020074, MONDO:0009746, OMIM 256800.

gnomAD v4.1: 2 of 1,613,860 alleles (0.00012%); highest among the groups gnomAD compares: Non-Finnish European, 0.00017%; no homozygotes.

Submission:

Labcorp Genetics (formerly Invitae), Labcorp
Classification: Pathogenic for Hereditary insensitivity to pain with anhidrosis. Last evaluated: 2022-03-12. Review status: criteria provided, single submitter. Criteria: Invitae Variant Classification Sherloc (09022015). Collection method: clinical testing. Allele origin: germline.
Comment: This sequence change creates a premature translational stop signal (p.Glu609*) in the NTRK1 gene. It is expected to result in an absent or disrupted protein product. Loss-of-function variants in NTRK1 are known to be pathogenic (PMID: 10982191). This variant is not present in population databases (gnomAD no frequency). This premature translational stop signal has been observed in individual(s) with hereditary sensory and autonomic neuropathy (PMID: 11139246). Algorithms developed to predict the effect of sequence changes on RNA splicing suggest that this variant may create or strengthen a splice site. For these reasons, this variant has been classified as Pathogenic.

Literature cited by the submitters: PubMed 10982191; PubMed 11139246.